The following is an entry in ClinVar:

NM_004655.4(AXIN2):c.1833G>T (p.Glu611Asp)

Gene: AXIN2 (axin 2; minus strand). Cytogenetic location: 17q24.1.
Variant type: single nucleotide variant.
Coding change: c.1833G>T on transcript NM_004655.4 (MANE Select); coding-DNA position 1833, G replaced by T.
Protein change: p.Glu611Asp; replaces glutamic acid 611 with aspartic acid.
Molecular consequence: missense variant. On other transcripts: intron variant (1).
Genome position (GRCh38, 1-based): chr17:65,536,943, C>A on the plus strand (G>T on the coding strand, the complement: AXIN2 is on the minus strand). VCF-style: chr17-65536943-C-A. GRCh37 (hg19) VCF-style: chr17-63533061-C-A.
Other names: c.1712+381G>T (NM_001363813.1); short protein forms E611D.
Identifiers: ClinVar variation 5032671 (VCV005032671.1).

ClinVar aggregate classification (germline): Uncertain significance (1 of 4 stars; one submission).

Conditions:
Hereditary cancer-predisposing syndrome. Also called: Neoplastic Syndromes, Hereditary; Tumor predisposition; Hereditary neoplastic syndrome; Hereditary Cancer Syndrome. Identifiers: Orphanet 140162, MedGen C0027672, MeSH D009386, MONDO:0015356.

Submission:

Ambry Genetics
Classification: Uncertain significance for Hereditary cancer-predisposing syndrome. Last evaluated: 2026-08-11. Review status: criteria provided, single submitter. Criteria: Ambry Variant Classification Scheme 2023. Collection method: clinical testing. Allele origin: germline.
Comment: The p.E611D variant (also known as c.1833G>T), located in coding exon 6 of the AXIN2 gene, results from a G to T substitution at nucleotide position 1833. The glutamic acid at codon 611 is replaced by aspartic acid, an amino acid with highly similar properties. This amino acid position is conserved. In addition, this alteration is predicted to be tolerated by in silico analysis. Based on the available evidence, the clinical significance of this variant remains unclear.